The following is an entry in ClinVar:

NM_006767.4(LZTR1):c.1233C>T (p.Ile411=)

Gene: LZTR1 (leucine zipper like post translational regulator 1; plus strand). Cytogenetic location: 22q11.21.
Variant type: single nucleotide variant.
Coding change: c.1233C>T on transcript NM_006767.4 (MANE Select); coding-DNA position 1233, C replaced by T.
Protein change: p.Ile411=; no amino-acid change (isoleucine 411 retained).
Molecular consequence: synonymous variant.
Genome position (GRCh38, 1-based): chr22:20,992,877, C>T. VCF-style: chr22-20992877-C-T. GRCh37 (hg19) VCF-style: chr22-21347166-C-T.
Other names: c.1233C>T (NM_006767.3).
Identifiers: ClinVar variation 2883803 (VCV002883803.5), dbSNP rs2518618924, ClinGen allele CA513456970.

ClinVar aggregate classification (germline): Likely benign. Review status: criteria provided, multiple submitters, no conflicts (2 of 4 stars). 3 submissions from 3 submitters: Likely benign (3). Last evaluated 2026-08-01.

Conditions:
Cardiovascular phenotype. Identifiers: MedGen CN230736.
Hereditary cancer-predisposing syndrome. Also called: Hereditary neoplastic syndrome; Tumor predisposition; Hereditary Cancer Syndrome; Neoplastic Syndromes, Hereditary. Identifiers: Orphanet 140162, MedGen C0027672, MeSH D009386, MONDO:0015356.

Submissions (3):

CeGaT Center for Human Genetics Tuebingen
Classification: Likely benign. Last evaluated: 2026-08-01. Review status: criteria provided, single submitter. Criteria: CeGaT Center For Human Genetics Tuebingen Variant Classification Criteria Version 2. Collection method: clinical testing. Allele origin: germline. Affected: yes. Observed: 1 variant allele.
Comment: LZTR1: PM2:Supporting, BP4, BP7

Ambry Genetics
Classification: Likely benign for Cardiovascular phenotype; Hereditary cancer-predisposing syndrome. Last evaluated: 2023-08-26. Review status: criteria provided, single submitter. Criteria: Ambry Variant Classification Scheme 2023. Collection method: clinical testing. Allele origin: germline.

Labcorp Genetics (formerly Invitae), Labcorp
Classification: Likely benign. Last evaluated: 2023-08-14. Review status: criteria provided, single submitter. Criteria: Invitae Variant Classification Sherloc (09022015). Collection method: clinical testing. Allele origin: germline.